The following is an entry in ClinVar:

ClinVar aggregate classification (germline): Uncertain significance (1 of 4 stars; one submission).

gnomAD v4.1: 4 of 1,590,924 alleles (0.00025%); highest among the groups gnomAD compares: South Asian, 0.0022%; no homozygotes.

Submission:

Labcorp Genetics (formerly Invitae), Labcorp
Classification: Uncertain significance. Last evaluated: 2023-06-20. Review status: criteria provided, single submitter. Criteria: Invitae Variant Classification Sherloc (09022015). Collection method: clinical testing. Allele origin: germline.
Comment: This sequence change affects an acceptor splice site in intron 7 of the NR2E3 gene. While this variant is not anticipated to result in nonsense mediated decay, it likely alters RNA splicing and results in a disrupted protein product. This variant is not present in population databases (gnomAD no frequency). Disruption of this splice site has been observed in individual(s) with enhanced S-cone syndrome (PMID: 18436841). Variants that disrupt the consensus splice site are a relatively common cause of aberrant splicing (PMID: 17576681, 9536098). Algorithms developed to predict the effect of sequence changes on RNA splicing suggest that this variant may disrupt the consensus splice site. In summary, the available evidence is currently insufficient to determine the role of this variant in disease. Therefore, it has been classified as a Variant of Uncertain Significance.

Literature cited by the submitters: PubMed 18436841; PubMed 17576681; PubMed 9536098.

NM_014249.4(NR2E3):c.1101-1G>A

Gene: NR2E3 (nuclear receptor subfamily 2 group E member 3; plus strand). Cytogenetic location: 15q23.
Variant type: single nucleotide variant.
Coding change: c.1101-1G>A on transcript NM_014249.4 (MANE Select); the canonical splice acceptor site of the intron before coding-DNA position 1101, G replaced by A.
Molecular consequence: splice acceptor variant.
Genome position (GRCh38, 1-based): chr15:71,817,551, G>A. VCF-style: chr15-71817551-G-A. GRCh37 (hg19) VCF-style: chr15-72109892-G-A.
Identifiers: ClinVar variation 2736236 (VCV002736236.3), dbSNP rs2543260811, ClinGen allele CA393040977.
Genomic context (GRCh38, chr15:71,817,551, plus strand): 5'-CCCCAGGGACTAGTGCTCAGAAGCTGGTCGTAAAACTGATGGCGTCCTCTCTCCTGTTCA[G>A]GTTTGGGAAATTGCTCCTGCTCCTCCCGTCTTTGAGGTTTATCACTGCGGAACGCATCGA-3'